The following is an entry in ClinVar:

NM_001605.3(AARS1):c.651del (p.Val218fs)

Gene: AARS1 (alanyl-tRNA synthetase 1; minus strand). Cytogenetic location: 16q22.1.
Variant type: Deletion.
Coding change: c.651del on transcript NM_001605.3 (MANE Select); coding-DNA position 651, one base deleted (T; older notation c.651delT).
Protein change: p.Val218fs; shifts the reading frame from valine 218.
Molecular consequence: frameshift variant.
Genome position (GRCh38, 1-based): chr16:70,271,801, A deleted on the plus strand (T on the coding strand, the reverse complement: AARS1 is on the minus strand); the first of 2 consecutive A bases (chr16:70,271,801-70,271,802); deleting either gives the same sequence. VCF-style (leftmost placement, unchanged base first): chr16-70271800-CA-C. GRCh37 (hg19) VCF-style: chr16-70305703-CA-C.
Other names: short protein forms V218fs.
Identifiers: ClinVar variation 1037702 (VCV001037702.9), dbSNP rs1960409206, ClinGen allele CA2230671511.
Genomic context (GRCh38, chr16:70,271,800, plus strand): 5'-CTCAGCTCAAGGAAAGGAATGGAGTAGGAACCCAAGGCTACCTGTTATACTGGATGAACA[CA>C]AGGTTCCAGATCTCCAGCACATTAGGGTCGTCCTGGTTGACAAGATGTGCGGCGTCCCGA-3'

ClinVar aggregate classification (germline): Pathogenic (1 of 4 stars; one submission).

Conditions:
Charcot-Marie-Tooth disease type 2. Also called: Charcot-Marie-Tooth type 2. Identifiers: Orphanet 64746, MedGen C0270914, MONDO:0018993.

Submission:

Labcorp Genetics (formerly Invitae), Labcorp
Classification: Pathogenic for Charcot-Marie-Tooth disease type 2. Last evaluated: 2023-07-21. Review status: criteria provided, single submitter. Criteria: Invitae Variant Classification Sherloc (09022015). Collection method: clinical testing. Allele origin: germline.
Comment: This sequence change creates a premature translational stop signal (p.Val218Cysfs*13) in the AARS gene. It is expected to result in an absent or disrupted protein product. Loss-of-function variants in AARS are known to be pathogenic (PMID: 25817015, 28493438, 34446925). This variant is not present in population databases (gnomAD no frequency). This variant has not been observed in the literature in individuals with autosomal recessive AARS-related conditions. This variant has been reported in individual(s) with clinical features of autosomal dominant Charcot-Marie-Tooth disease (Invitae); however, the role of the variant in this condition is currently unclear. ClinVar contains an entry for this variant (Variation ID: 1037702). For these reasons, this variant has been classified as Pathogenic.

Literature cited by the submitters: PubMed 25817015; PubMed 28493438; PubMed 34446925.